The following is an entry in ClinVar:

NM_194279.4(ISCA2):c.420A>C (p.Ala140=)

Gene: ISCA2 (iron-sulfur cluster assembly 2; plus strand). Cytogenetic location: 14q24.3.
Variant type: single nucleotide variant.
Coding change: c.420A>C on transcript NM_194279.4 (MANE Select); coding-DNA position 420, A replaced by C.
Protein change: p.Ala140=; no amino-acid change (alanine 140 retained).
Molecular consequence: synonymous variant. On other transcripts: 3 prime UTR variant (1).
Genome position (GRCh38, 1-based): chr14:74,494,955, A>C. VCF-style: chr14-74494955-A-C. GRCh37 (hg19) VCF-style: chr14-74961658-A-C.
Other names: p.Ala140=; c.*121A>C (NM_001272007.2).
Identifiers: ClinVar variation 1655967 (VCV001655967.9), dbSNP rs774113898, ClinGen allele CA7268366.

ClinVar aggregate classification (germline): Likely benign. Review status: criteria provided, multiple submitters, no conflicts (2 of 4 stars). 2 submissions from 2 submitters: Likely benign (2). Last evaluated 2025-07-21.

Allele frequency attached by ClinVar (database versions not stated): TOPMed 0.00001; gnomAD exomes 0.00002; ExAC 0.00004.
gnomAD v4.1: 8 of 1,613,690 alleles (0.0005%); highest among the groups gnomAD compares: Non-Finnish European, 0.00068%; no homozygotes.

Submissions (2):

Mayo Clinic Laboratories, Mayo Clinic
Classification: Likely benign. Last evaluated: 2025-07-21. Review status: criteria provided, single submitter. Criteria: ACMG Guidelines, 2015. Collection method: clinical testing. Allele origin: germline. Observed: 1 variant allele.
Comment: BP4, BP7

Labcorp Genetics (formerly Invitae), Labcorp
Classification: Likely benign. Last evaluated: 2025-03-21. Review status: criteria provided, single submitter. Criteria: Invitae Variant Classification Sherloc (09022015). Collection method: clinical testing. Allele origin: germline.